The following is an entry in ClinVar:

NM_001203.3(BMPR1B):c.599T>A (p.Ile200Lys)

Gene: BMPR1B (bone morphogenetic protein receptor type 1B; plus strand). Cytogenetic location: 4q22.3.
Variant type: single nucleotide variant.
Coding change: c.599T>A on transcript NM_001203.3 (MANE Select); coding-DNA position 599, T replaced by A.
Protein change: p.Ile200Lys; replaces isoleucine 200 with lysine.
Molecular consequence: missense variant.
Genome position (GRCh38, 1-based): chr4:95,129,875, T>A. VCF-style: chr4-95129875-T-A. GRCh37 (hg19) VCF-style: chr4-96051026-T-A.
Other names: c.599T>A (NM_001203.2); c.599T>A, p.Ile200Lys (NM_001256792.2, NM_001256794.1); c.689T>A, p.Ile230Lys (NM_001256793.2); short protein forms I200K, I230K.
Identifiers: ClinVar variation 6555 (VCV000006555.2), dbSNP rs121434417, ClinGen allele CA118353.

ClinVar aggregate classification (germline): Likely pathogenic. Review status: criteria provided, single submitter (1 of 4 stars). 2 submissions from 2 submitters: Likely pathogenic (1). 1 of the submissions does not count toward it. Last evaluated 2023-05-31.

Conditions:
Type A2 brachydactyly (BDA2). Also called: Brachymesophalangy type 2; MOHR-WRIEDT TYPE BRACHYDACTYLY; BRACHYMESOPHALANGY II. Identifiers: Orphanet 93396, MedGen C1832702, MONDO:0007216, OMIM 112600, HP:0009372.

Allele frequency attached by ClinVar (database versions not stated): gnomAD exomes below 0.00001.
gnomAD v4.1: 1 of 1,613,732 alleles (0.000062%); no homozygotes.

Submissions (2):

GeneDx
Classification: Likely pathogenic. Last evaluated: 2023-05-31. Review status: criteria provided, single submitter. Criteria: GeneDx Variant Classification Process June 2021. Collection method: clinical testing. Allele origin: germline. Affected: yes.
Comment: Published functional studies suggest a damaging effect (Lehman et al., 2003); Not observed at significant frequency in large population cohorts (gnomAD); In silico analysis supports that this missense variant has a deleterious effect on protein structure/function; This variant is associated with the following publications: (PMID: 24129431, 14523231)

OMIM
Classification: Pathogenic for BRACHYDACTYLY, TYPE A2. Last evaluated: 2003-10-14. Review status: no assertion criteria provided. Collection method: literature only. Allele origin: germline. Not counted in ClinVar's aggregate classification.

Literature cited by the submitters: PubMed 14523231 (cited by OMIM).